The following is an entry in ClinVar:

ClinVar aggregate classification (germline): Uncertain significance. Review status: criteria provided, multiple submitters, no conflicts (2 of 4 stars). 2 submissions from 2 submitters: Uncertain significance (2). Last evaluated 2024-03-05.

Conditions:
Inborn genetic diseases. Identifiers: MedGen C0950123, MeSH D030342.

Allele frequency attached by ClinVar (database versions not stated): gnomAD 0.00023; TOPMed 0.00029; 1000 Genomes Project 30x 0.00031; ESP Exome Variant Server 0.00031; 1000 Genomes Project 0.00040.
gnomAD v4.1: 93 of 1,585,314 alleles (0.0059%); highest among the groups gnomAD compares: African/African-American, 0.073%; no homozygotes.

Submissions (2):

Ambry Genetics
Classification: Uncertain significance for Inborn genetic diseases. Last evaluated: 2024-03-05. Review status: criteria provided, single submitter. Criteria: Ambry Variant Classification Scheme 2023. Collection method: clinical testing. Allele origin: germline.

Labcorp Genetics (formerly Invitae), Labcorp
Classification: Uncertain significance. Last evaluated: 2022-09-07. Review status: criteria provided, single submitter. Criteria: Invitae Variant Classification Sherloc (09022015). Collection method: clinical testing. Allele origin: germline.
Comment: This sequence change replaces leucine, which is neutral and non-polar, with phenylalanine, which is neutral and non-polar, at codon 1250 of the INPPL1 protein (p.Leu1250Phe). This variant is present in population databases (rs144762578, gnomAD 0.05%). This variant has not been reported in the literature in individuals affected with INPPL1-related conditions. Algorithms developed to predict the effect of missense changes on protein structure and function are either unavailable or do not agree on the potential impact of this missense change (SIFT: "Deleterious"; PolyPhen-2: "Not Available"; Align-GVGD: "Class C0"). In summary, the available evidence is currently insufficient to determine the role of this variant in disease. Therefore, it has been classified as a Variant of Uncertain Significance.

NM_001567.4(INPPL1):c.3748C>T (p.Leu1250Phe)

Gene: INPPL1 (inositol polyphosphate phosphatase like 1; plus strand). Cytogenetic location: 11q13.4.
Variant type: single nucleotide variant.
Coding change: c.3748C>T on transcript NM_001567.4 (MANE Select); coding-DNA position 3748, C replaced by T.
Protein change: p.Leu1250Phe; replaces leucine 1250 with phenylalanine.
Molecular consequence: missense variant.
Genome position (GRCh38, 1-based): chr11:72,238,324, C>T. VCF-style: chr11-72238324-C-T. GRCh37 (hg19) VCF-style: chr11-71949368-C-T.
Other names: c.3748C>T (NM_001567.3); short protein forms L1250F.
Identifiers: ClinVar variation 2068717 (VCV002068717.2), dbSNP rs144762578, ClinGen allele CA6170770.
Genomic context (GRCh38, chr11:72,238,324, plus strand): 5'-GACATCACCGAGGAGGACTTGGAGGAGGCTGGGGTGCAGGACCCGGCTCACAAGCGCCTC[C>T]TTCTGGACACCCTGCAGCTCAGCAAGTGATAGCGGAGGCACCACGAAGCTGTGAACTCAG-3'
Protein context (NP_001558.3, residues 1240-1258): GVQDPAHKRL[Leu1250Phe]LDTLQLSK